The following is an entry in ClinVar:

ClinVar aggregate classification (germline): Uncertain significance (1 of 4 stars; one submission).

gnomAD v4.1: 2 of 1,614,168 alleles (0.00012%); highest among the groups gnomAD compares: East Asian, 0.0022%; no homozygotes.

Submission:

GeneDx
Classification: Uncertain significance. Last evaluated: 2025-06-24. Review status: criteria provided, single submitter. Criteria: GeneDx Variant Classification Process June 2021. Collection method: clinical testing. Allele origin: germline. Affected: yes.
Comment: In silico analysis suggests that this missense variant does not alter protein structure/function; Has not been previously published as pathogenic or benign to our knowledge

NM_000552.5(VWF):c.7655T>A (p.Leu2552Gln)

Gene: VWF (von Willebrand factor; minus strand). Cytogenetic location: 12p13.31.
Variant type: single nucleotide variant.
Coding change: c.7655T>A on transcript NM_000552.5 (MANE Select); coding-DNA position 7655, T replaced by A.
Protein change: p.Leu2552Gln; replaces leucine 2552 with glutamine.
Molecular consequence: missense variant.
Genome position (GRCh38, 1-based): chr12:5,969,285, A>T on the plus strand (T>A on the coding strand, the complement: VWF is on the minus strand). VCF-style: chr12-5969285-A-T. GRCh37 (hg19) VCF-style: chr12-6078451-A-T.
Other names: short protein forms L2552Q.
Identifiers: ClinVar variation 4540092 (VCV004540092.1).